The following is an entry in ClinVar:

ClinVar aggregate classification (germline): Pathogenic (1 of 4 stars; one submission).

Conditions:
Mucopolysaccharidosis, MPS-III-B (MPS3B). Also called: N-ACETYL-ALPHA-D-GLUCOSAMINIDASE DEFICIENCY; NAGLU DEFICIENCY; SANFILIPPO SYNDROME B; MPS III B; MUCOPOLYSACCHARIDOSIS, TYPE IIIB; Mucopolysaccharidosis type IIIB (Sanfilippo B). Identifiers: Orphanet 79270, MedGen C0086648, MONDO:0009656, OMIM 252920.

Submission:

Myriad Genetics, Inc.
Classification: Pathogenic for Mucopolysaccharidosis, MPS-III-B. Last evaluated: 2023-08-12. Review status: criteria provided, single submitter. Criteria: Myriad Autosomal Dominant, Autosomal Recessive and X-Linked Classification Criteria (2023). Collection method: clinical testing. Allele origin: unknown.
Comment: NM_000263.3(NAGLU):c.350_354del5(V117Gfs*73) is expected to be pathogenic in the context of mucopolysaccharidosis type IIIB. This variant is predicted to lead to an abnormal or absent protein product due to the creation of a premature termination codon in NAGLU, a gene where loss-of-function variants are known to be pathogenic. Please note: this variant was assessed in the context of healthy population screening.

NM_000263.4(NAGLU):c.350_354del (p.Val117fs)

Gene: NAGLU (N-acetyl-alpha-glucosaminidase; plus strand). Cytogenetic location: 17q21.2.
Variant type: Deletion.
Coding change: c.350_354del on transcript NM_000263.4 (MANE Select); coding-DNA positions 350 to 354, 5 bases deleted (TGCCG; older notation c.350_354delTGCCG).
Protein change: p.Val117fs; shifts the reading frame from valine 117.
Molecular consequence: frameshift variant.
Genome position (GRCh38, 1-based): chr17:42,536,622-42,536,626, TGCCG deleted; deleting any 5 consecutive bases within chr17:42,536,618-42,536,626 gives the same sequence; the c. name uses the placement nearest the transcript's 3' end. VCF-style (leftmost placement, unchanged base first): chr17-42536617-AGCCGT-A. GRCh37 (hg19) VCF-style: chr17-40688635-AGCCGT-A.
Other names: short protein forms V117fs.
Identifiers: ClinVar variation 5011333 (VCV005011333.1).